The following is an entry in ClinVar:

ClinVar aggregate classification (germline): Pathogenic/Likely risk allele. Review status: criteria provided, multiple submitters, no conflicts (2 of 4 stars). 10 submissions from 10 submitters: Pathogenic (9); Likely risk allele (1). Last evaluated 2026-07-29.

Conditions:
HNF1A-related disorder. Also called: HNF1A-related condition.
Maturity-onset diabetes of the young (MODY). Also called: Maturity onset diabetes mellitus in young. Identifiers: Orphanet 552, MedGen C0342276, MONDO:0018911, HP:0004904.
Maturity-onset diabetes of the young type 3. Also called: MODY, type III; MODY type 3. Identifiers: Orphanet 552, MedGen C1838100, MeSH C563933, MONDO:0010894, OMIM 600496. Disease mechanism: loss of function.

Submissions (10):

PreventionGenetics, part of Exact Sciences
Classification: Pathogenic for HNF1A-related condition. Last evaluated: 2026-07-29. Review status: criteria provided, single submitter. Criteria: ACMG Guidelines, 2015. Collection method: clinical testing. Allele origin: germline.
Comment: The HNF1A c.1330_1331delCA variant is predicted to result in a frameshift and premature protein termination (p.Gln444Glufs*104). This variant is also referred to as A443fsdelCA in the literature. It has been reported to segregate with disease in family members with maturity-onset diabetes of the young (MODY; see, for example: Frayling et al. 1997. PubMed ID: 9075818; Klupa et al. 2002. PubMed ID: 12453976; Wang et al. 2024. PubMed ID: 39170165). Experimental studies indicate this variant impacts protein function (Wang et al. 2024. PubMed ID: 39170165). This variant is reported in 0.00089% of alleles in individuals of European (non-Finnish) descent in gnomAD. Frameshift variants in HNF1A are expected to be pathogenic. This variant is interpreted as pathogenic.

MVZ Medizinische Genetik Mainz
Classification: Pathogenic for Maturity-onset diabetes of the young type 3. Last evaluated: 2026-05-15. Review status: criteria provided, single submitter. Criteria: UK Practice Guidelines For Variant Classification V4 01 2020. Collection method: clinical testing. Allele origin: germline. Inheritance: Autosomal dominant inheritance. Observed: 1 variant allele.
Comment: ACMG Criteria: PVS1,PS4_MOD,PP4_MOD,PM2_SUP

GeneDx
Classification: Pathogenic. Last evaluated: 2022-12-22. Review status: criteria provided, single submitter. Criteria: GeneDx Variant Classification Process June 2021. Collection method: clinical testing. Allele origin: germline. Affected: yes.
Comment: Frameshift variant predicted to result in protein truncation or nonsense mediated decay in a gene for which loss-of-function is a known mechanism of disease; Not observed at a significant frequency in large population cohorts (gnomAD); This variant is associated with the following publications: (PMID: 9439666, 23348805, 18003757, 11272211, 9075818, 12453976, 34789499, 25414397)

Labcorp Genetics (formerly Invitae), Labcorp
Classification: Pathogenic. Last evaluated: 2022-09-09. Review status: criteria provided, single submitter. Criteria: Invitae Variant Classification Sherloc (09022015). Collection method: clinical testing. Allele origin: germline.
Comment: This sequence change creates a premature translational stop signal (p.Gln444Glufs*104) in the HNF1A gene. It is expected to result in an absent or disrupted protein product. Loss-of-function variants in HNF1A are known to be pathogenic (PMID: 15928245, 18003757). This variant is present in population databases (rs776793516, gnomAD 0.0009%). This premature translational stop signal has been observed in individual(s) with maturity-onset diabetes of the young (PMID: 9439666, 25414397). This variant is also known as A443fsdelCA. For these reasons, this variant has been classified as Pathogenic.

Geisinger Clinic, Geisinger Health System
Classification: Pathogenic for Maturity-onset diabetes of the young type 3. Last evaluated: 2022-08-02. Review status: criteria provided, single submitter. Criteria: ACMG Guidelines, 2015. Collection method: research. Allele origin: germline. Inheritance: Autosomal dominant inheritance. Affected: yes. Observed: 1 variant allele.
Comment: PVS1, PM2, PP4_Moderate, PS4_Moderate, PP1

Ambry Genetics
Classification: Pathogenic for Maturity-onset diabetes of the young. Last evaluated: 2020-11-30. Review status: criteria provided, single submitter. Criteria: Ambry Variant Classification Scheme 2023. Collection method: clinical testing. Allele origin: germline.
Comment: The c.1330_1331delCA pathogenic mutation, located in coding exon 7 of the HNF1A gene, results from a deletion of two nucleotides at nucleotide positions 1330 to 1331, causing a translational frameshift with a predicted alternate stop codon (p.Q444Efs*104). This mutation has been identified in families with maturity onset diabetes of the young (Frayling TM et al. Hum. Genet., 1997 Dec;101:351-4; Delvecchio M et al. Diabetes Care, 2014 Dec;37:e258-60). In addition to the clinical data presented in the literature, this alteration is expected to result in loss of function by premature protein truncation or nonsense-mediated mRNA decay. As such, this alteration is interpreted as a disease-causing mutation.

Laboratory for Molecular Medicine, Mass General Brigham Personalized Medicine
Classification: Pathogenic for Maturity-onset diabetes of the young. Last evaluated: 2020-11-06. Review status: criteria provided, single submitter. Criteria: ACMG Guidelines, 2015. Collection method: clinical testing. Allele origin: germline.
Comment: The p.Gln444GlufsX104 variant in HNF1A has been reported in at least 3 families with maturity-onset diabetes of the young (MODY) and segregated with disease in at least 13 affected relatives from 2 families (Frayling 1997 PMID: 9439666, Frayling 2001 PMID: 11272211, Delvecchio 2014 PMID: 25414397, Frayling 1997 PMID: 9075818, Klupa 2002 PMID: 12453976). This variant has also been reported in ClinVar (Variation ID 617650) and identified in 1/112510 of European chromosomes by gnomAD. This variant is predicted to cause a frameshift, which alters the protein’s amino acid sequence beginning at position 444 and leads to a premature termination codon 104 amino acids downstream. This alteration is then predicted to lead to a truncated or absent protein. Heterozygous loss of function of the HNF1A gene is an established disease mechanism in autosomal dominant MODY. In summary, this variant meets criteria to be classified as pathogenic for autosomal dominant MODY. ACMG/AMP Criteria applied: PM2, PVS1, PS4_Supporting, PP1_Strong.

Broad Center for Mendelian Genomics, Broad Institute of MIT and Harvard
Classification: Pathogenic for Maturity-onset diabetes of the young type 3. Last evaluated: 2020-01-22. Review status: criteria provided, single submitter. Criteria: ACMG Guidelines, 2015. Collection method: curation. Allele origin: germline. Inheritance: Autosomal dominant inheritance.
Comment: The p.Gln444Glufs variant in HNF1a has been reported in 5 families with maturity-onset diabetes of the young type 3 (MODY3) and has been identified in 0.0008888% (1/112510) of European (non-Finnish) chromosomes by the Genome Aggregation Database (gnomAD; dbSNP rs776793516). This variant has also been reported in ClinVar (VariationID: 617650) as pathogenic by the Translational Genomics Laboratory. This variant is predicted to cause a frameshift, which alters the protein's amino acid sequence beginning at position 444 and leads to a premature termination codon 104 amino acids downstream. This alteration is then predicted to lead to a truncated or absent protein. Heterozygous loss of function of the HNF1A gene is an established disease mechanism in MODY3. In summary, this variant meets criteria to be classified as pathogenic for MODY3 in an autosomal dominant manner based on the prediction that it causes loss of function of the HNF1A gene and the increased prevalence of the variant in affected individuals compared with controls. ACMG/AMP Criteria applied: PVS1, PM2, PS4_supporting (Richards 2015).

Translational Genomics Laboratory, University of Maryland School of Medicine
Classification: Pathogenic for Maturity-onset diabetes of the young, type 3. Last evaluated: 2018-04-17. Review status: criteria provided, single submitter. Criteria: ACMG Guidelines, 2015. Collection method: clinical testing. Allele origin: germline. Affected: yes. Observed: 3 variant alleles. Clinical features observed: Hyperglycemia (HP:0003074).
Comment: The c.1328_1329delCA variant in the HNF1A homeobox A gene, HNF1A, results in a frame shifting change in the protein with the Glutamine at codon 444 (exon 7) being the first affected amino acid. Frameshift mutations in the HNF1A gene, including ones in exon 7, have been reported previously in patients with a clinical picture consistent with Maturity-Onset Diabetes of the Young, Type 3 (MODY3) (23348805, 9439666, 11272211, 18003757). The c.1328_1329delCA variant has been previously identified in multiple individuals with MODY3 (9439666, 11272211, 25414397, 9075818, 12453976), with evidence of familial segregation in three families (11272211, 9075818, 12453976). ACMG criteria = PVS1, PS4-mod, PP1-mod

Clinical Genomics, Uppaluri K&H Personalized Medicine Clinic
Classification: Likely risk allele for Maturity-onset diabetes of the young. Review status: criteria provided, single submitter. Criteria: K & H Uppaluri Personalized Medicine Clinic Variant Classification & Assertion Criteria_Updated V.1. Collection method: research. Allele origin: unknown. Inheritance: Autosomal dominant inheritance.
Comment: Mutations in HNF1A gene can predispose to MODY3. It is associated with both micro and macrovascular complications of diabetes, especially cardiovascular complications. Associated with glucosuria. May respond well to sulfonylureas. However, more evidence is required to confer the association of this particular variant rs776793516 with MODY3.

Literature cited by the submitters: PubMed 15928245 (cited by Labcorp Genetics (formerly Invitae), Labcorp); PubMed 18003757 (cited by Labcorp Genetics (formerly Invitae), Labcorp and Translational Genomics Laboratory, University of Maryland School of Medicine); PubMed 9439666 (cited by 4 submitters); PubMed 25414397 (cited by 5 submitters); PubMed 36257325 (cited by Geisinger Clinic, Geisinger Health System); PubMed 12453976 (cited by 3 submitters); PubMed 16917892 (cited by Ambry Genetics); PubMed 9075818 (cited by Laboratory for Molecular Medicine, Mass General Brigham Personalized Medicine and Translational Genomics Laboratory, University of Maryland School of Medicine); PubMed 11272211 (cited by Laboratory for Molecular Medicine, Mass General Brigham Personalized Medicine and Translational Genomics Laboratory, University of Maryland School of Medicine); PubMed 23348805 (cited by Broad Center for Mendelian Genomics, Broad Institute of MIT and Harvard and Translational Genomics Laboratory, University of Maryland School of Medicine); PubMed 31517624 (cited by Clinical Genomics, Uppaluri K&H Personalized Medicine Clinic); PubMed 32395877 (cited by Clinical Genomics, Uppaluri K&H Personalized Medicine Clinic); PubMed 35328643 (cited by Clinical Genomics, Uppaluri K&H Personalized Medicine Clinic).

NM_000545.8(HNF1A):c.1330_1331del (p.Gln444fs)

Gene: HNF1A (HNF1 homeobox A; plus strand). Cytogenetic location: 12q24.31.
Variant type: Microsatellite.
Coding change: c.1330_1331del on transcript NM_000545.8 (MANE Select); coding-DNA positions 1330 to 1331, 2 bases deleted (CA; older notation c.1330_1331delCA).
Protein change: p.Gln444fs; shifts the reading frame from glutamine 444.
Molecular consequence: frameshift variant.
Genome position (GRCh38, 1-based): chr12:120,997,494-120,997,495, CA deleted; deleting any 2 consecutive bases within chr12:120,997,492-120,997,495 gives the same sequence; the c. name uses the placement nearest the transcript's 3' end. VCF-style (leftmost placement, unchanged base first): chr12-120997491-GCA-G. GRCh37 (hg19) VCF-style: chr12-121435294-GCA-G.
Other names: c.1330_1331delCA (NM_000545.6); c.1328_1329del (NM_000545.6); c.1330_1331del, p.Gln444fs (NM_001306179.2); c.1330_1331del (NM_000545.5); short protein forms Q444fs.
Identifiers: ClinVar variation 617650 (VCV000617650.24), dbSNP rs776793516, ClinGen allele CA6832025.